The following is an entry in ClinVar:

NM_014271.4(IL1RAPL1):c.1656del (p.Phe551_Trp552insTer)

Gene: IL1RAPL1 (interleukin 1 receptor accessory protein like 1; plus strand). Cytogenetic location: Xp21.2.
Variant type: Deletion.
Coding change: c.1656del on transcript NM_014271.4 (MANE Select); coding-DNA position 1656, one base deleted (G; older notation c.1656delG).
Protein change: p.Phe551_Trp552insTer.
Molecular consequence: nonsense.
Genome position (GRCh38, 1-based): chrX:29,955,385, G deleted; the last of 2 consecutive G bases (chrX:29,955,384-29,955,385); deleting either gives the same sequence. VCF-style (leftmost placement, unchanged base first): chrX-29955383-TG-T. GRCh37 (hg19) VCF-style: chrX-29973500-TG-T.
Identifiers: ClinVar variation 4528004 (VCV004528004.1).

ClinVar aggregate classification (germline): Uncertain significance (1 of 4 stars; one submission).

Submission:

GeneDx
Classification: Uncertain significance. Last evaluated: 2025-05-08. Review status: criteria provided, single submitter. Criteria: GeneDx Variant Classification Process June 2021. Collection method: clinical testing. Allele origin: germline. Affected: yes.
Comment: Nonsense variant predicted to result in protein truncation as the last 145 amino acid(s) are lost; Not observed at significant frequency in large population cohorts (gnomAD); Has not been previously published as pathogenic or benign to our knowledge